The following is an entry in ClinVar:

NM_001252024.2(TRPM1):c.3967del (p.Thr1323fs)

Gene: TRPM1 (transient receptor potential cation channel subfamily M member 1; minus strand). Cytogenetic location: 15q13.3.
Variant type: Deletion.
Coding change: c.3967del on transcript NM_001252024.2 (MANE Select); coding-DNA position 3967, one base deleted (A; older notation c.3967delA).
Protein change: p.Thr1323fs; shifts the reading frame from threonine 1323.
Molecular consequence: frameshift variant.
Genome position (GRCh38, 1-based): chr15:31,002,733, T deleted on the plus strand (A on the coding strand, the reverse complement: TRPM1 is on the minus strand); the first of 7 consecutive T bases (chr15:31,002,733-31,002,739); deleting any one gives the same sequence. VCF-style (leftmost placement, unchanged base first): chr15-31002732-GT-G. GRCh37 (hg19) VCF-style: chr15-31294935-GT-G.
Other names: c.4018del, p.Thr1340fs (NM_001252020.2); c.3901del, p.Thr1301fs (NM_002420.6); short protein forms T1301fs, T1323fs, T1340fs.
Identifiers: ClinVar variation 1011448 (VCV001011448.5), dbSNP rs765296730, ClinGen allele CA7451723.

ClinVar aggregate classification (germline): Uncertain significance. Review status: criteria provided, multiple submitters, no conflicts (2 of 4 stars). 2 submissions from 2 submitters: Uncertain significance (2). Last evaluated 2024-11-15.

Submissions (2):

Blueprint Genetics
Classification: Uncertain significance. Last evaluated: 2024-11-15. Review status: criteria provided, single submitter. Criteria: ACMG Guidelines, 2015. Collection method: clinical testing. Allele origin: germline.

Labcorp Genetics (formerly Invitae), Labcorp
Classification: Uncertain significance. Last evaluated: 2020-02-02. Review status: criteria provided, single submitter. Criteria: Invitae Variant Classification Sherloc (09022015). Collection method: clinical testing. Allele origin: germline.
Comment: This sequence change results in a premature translational stop signal in the TRPM1 gene (p.Thr1301Profs*6). While this is not anticipated to result in nonsense mediated decay, it is expected to disrupt the last 303 amino acids of the TRPM1 protein. The frequency data for this variant in the population databases is considered unreliable, as metrics indicate poor data quality at this position in the ExAC database. This variant has not been reported in the literature in individuals with TRPM1-related conditions. Experimental studies and prediction algorithms are not available or were not evaluated, and the functional significance of this variant is currently unknown. In summary, the available evidence is currently insufficient to determine the role of this variant in disease. Therefore, it has been classified as a Variant of Uncertain Significance.